The following is an entry in ClinVar:

ClinVar aggregate classification (germline): Uncertain significance (1 of 4 stars; one submission).

Conditions:
Myopathy, proximal, and ophthalmoplegia (CMYO6). Also called: INCLUSION BODY MYOPATHY 3, AUTOSOMAL DOMINANT; MYOPATHY WITH CONGENITAL JOINT CONTRACTURES, OPHTHALMOPLEGIA, AND RIMMED VACUOLES; CONGENITAL MYOPATHY 6 WITH OPHTHALMOPLEGIA. Identifiers: Orphanet 363677, Orphanet 79091, MedGen C1854106, MONDO:0011577, OMIM 605637.

Allele frequency attached by ClinVar (database versions not stated): gnomAD exomes below 0.00001; ExAC 0.00001; gnomAD 0.00001.
gnomAD v4.1: 8 of 1,614,082 alleles (0.0005%); highest among the groups gnomAD compares: South Asian, 0.0033%; no homozygotes.

Submission:

Labcorp Genetics (formerly Invitae), Labcorp
Classification: Uncertain significance for Myopathy, proximal, and ophthalmoplegia. Last evaluated: 2021-05-31. Review status: criteria provided, single submitter. Criteria: Invitae Variant Classification Sherloc (09022015). Collection method: clinical testing. Allele origin: germline.
Comment: Algorithms developed to predict the effect of missense changes on protein structure and function are either unavailable or do not agree on the potential impact of this missense change (SIFT: "Deleterious"; PolyPhen-2: "Benign"; Align-GVGD: "Class C65"). This variant has not been reported in the literature in individuals with MYH2-related conditions. This variant is present in population databases (rs764144162, ExAC 0.001%). This sequence change replaces methionine with threonine at codon 80 of the MYH2 protein (p.Met80Thr). The methionine residue is highly conserved and there is a moderate physicochemical difference between methionine and threonine. In summary, the available evidence is currently insufficient to determine the role of this variant in disease. Therefore, it has been classified as a Variant of Uncertain Significance.

NM_017534.6(MYH2):c.239T>C (p.Met80Thr)

Genes: MYHAS (myosin heavy chain gene cluster antisense RNA; plus strand), MYH2 (myosin heavy chain 2; minus strand). Cytogenetic location: 17p13.1.
Variant type: single nucleotide variant.
Coding change: c.239T>C on transcript NM_017534.6 (MANE Select); coding-DNA position 239, T replaced by C.
Protein change: p.Met80Thr; replaces methionine 80 with threonine.
Molecular consequence: missense variant.
Genome position (GRCh38, 1-based): chr17:10,547,584, A>G on the plus strand (T>C on the coding strand, the complement: MYH2 is on the minus strand). VCF-style: chr17-10547584-A-G. GRCh37 (hg19) VCF-style: chr17-10450901-A-G.
Other names: c.239T>C, p.Met80Thr (NM_001100112.2); short protein forms M80T.
Identifiers: ClinVar variation 1428879 (VCV001428879.8), dbSNP rs764144162, ClinGen allele CA8391688.